The following is an entry in ClinVar:

NM_006231.4(POLE):c.1467C>T (p.Pro489=)

Gene: POLE (DNA polymerase epsilon, catalytic subunit; minus strand). Cytogenetic location: 12q24.33.
Variant type: single nucleotide variant.
Coding change: c.1467C>T on transcript NM_006231.4 (MANE Select); coding-DNA position 1467, C replaced by T.
Protein change: p.Pro489=; no amino-acid change (proline 489 retained).
Molecular consequence: synonymous variant.
Genome position (GRCh38, 1-based): chr12:132,673,170, G>A on the plus strand (C>T on the coding strand, the complement: POLE is on the minus strand). VCF-style: chr12-132673170-G-A. GRCh37 (hg19) VCF-style: chr12-133249756-G-A.
Identifiers: ClinVar variation 385115 (VCV000385115.20), dbSNP rs995585765, ClinGen allele CA16606194.
Genomic context (GRCh38, chr12:132,673,170, plus strand): 5'-GAATGGGGCAAGGGCTGAGGAGGCCAGGGTGCCGACAGGACAGATAATGCTCACCTCGTC[G>A]GGCTCCATGGGAATAATGGTGCACAGAGCAAAGATGAATGGGTGGACGTACTTCATGTAC-3'
Protein context (NP_006222.2, residues 479-499): FALCTIIPME[Pro489=]DEVLRKGSGT

ClinVar aggregate classification (germline): Benign/Likely benign. Review status: criteria provided, multiple submitters, no conflicts (2 of 4 stars). 5 submissions from 5 submitters: Benign (1); Likely benign (4). Last evaluated 2026-01-31.

Conditions:
Colorectal cancer, susceptibility to, 12 (CRCS12). Also called: COLORECTAL CANCER, SUSCEPTIBILITY TO, ON CHROMOSOME 12q24. Identifiers: Orphanet 220460, MedGen C3554460, MONDO:0014038, OMIM 615083.
Hereditary cancer-predisposing syndrome. Also called: Hereditary Cancer Syndrome; Hereditary neoplastic syndrome; Neoplastic Syndromes, Hereditary; Tumor predisposition. Identifiers: Orphanet 140162, MedGen C0027672, MeSH D009386, MONDO:0015356.

Allele frequency attached by ClinVar (database versions not stated): gnomAD exomes 0.00002 and 0.00005; gnomAD 0.00003 and 0.00004; TOPMed 0.00004.
gnomAD v4.1: 84 of 1,601,232 alleles (0.0052%); highest among the groups gnomAD compares: Middle Eastern, 0.017%; no homozygotes.

Submissions (5):

Labcorp Genetics (formerly Invitae), Labcorp
Classification: Likely benign. Last evaluated: 2026-01-31. Review status: criteria provided, single submitter. Criteria: Invitae Variant Classification Sherloc (09022015). Collection method: clinical testing. Allele origin: germline.

Myriad Genetics, Inc.
Classification: Benign for Colorectal cancer, susceptibility to, 12. Last evaluated: 2025-02-11. Review status: criteria provided, single submitter. Criteria: Myriad Autosomal Dominant, Autosomal Recessive and X-Linked Classification Criteria (2023). Collection method: clinical testing. Allele origin: unknown.
Comment: This variant is considered benign. This variant is a silent/synonymous amino acid change and it is not expected to impact splicing.

GeneDx
Classification: Likely benign. Last evaluated: 2019-04-29. Review status: criteria provided, single submitter. Criteria: GeneDx Variant Classification Process June 2021. Collection method: clinical testing. Allele origin: germline. Affected: yes.

PreventionGenetics, part of Exact Sciences
Classification: Likely benign. Last evaluated: 2017-12-21. Review status: criteria provided, single submitter. Criteria: ACMG Guidelines, 2015. Collection method: clinical testing. Allele origin: germline.

Ambry Genetics
Classification: Likely benign for Hereditary cancer-predisposing syndrome. Last evaluated: 2015-10-22. Review status: criteria provided, single submitter. Criteria: Ambry Variant Classification Scheme 2023. Collection method: clinical testing. Allele origin: germline.